The following is an entry in ClinVar:

NM_000363.5(TNNI3):c.108+1G>A

Gene: TNNI3 (troponin I3, cardiac type; minus strand). Cytogenetic location: 19q13.42.
Variant type: single nucleotide variant.
Coding change: c.108+1G>A on transcript NM_000363.5 (MANE Select); the canonical splice donor site of the intron after coding-DNA position 108, G replaced by A.
Molecular consequence: splice donor variant.
Genome position (GRCh38, 1-based): chr19:55,157,049, C>T on the plus strand (G>A on the coding strand, the complement: TNNI3 is on the minus strand). VCF-style: chr19-55157049-C-T. GRCh37 (hg19) VCF-style: chr19-55668417-C-T.
Identifiers: ClinVar variation 2757968 (VCV002757968.3), dbSNP rs1248155083, ClinGen allele CA407442801.
Genomic context (GRCh38, chr19:55,157,049, plus strand): 5'-ACTCCCAGGGTCTTGGATCCCTCCGGCGCCTGTACTCTGCCCCCAGGAAGCCCCGTCCCA[C>T]CTTGGCGTGCGGCTCCGTGGCATAAGCGCGGTAGTTGGAGGAGCGGCGTCTGATTGGGGC-3'

ClinVar aggregate classification (germline): Likely pathogenic (1 of 4 stars; one submission).

Conditions:
Hypertrophic cardiomyopathy. Also called: HYPERTROPHIC MYOCARDIOPATHY. Identifiers: Orphanet 217569, MedGen C0007194, MeSH D002312, MONDO:0005045, HP:0001639.

Allele frequency attached by ClinVar (database versions not stated): gnomAD exomes below 0.00001; TOPMed below 0.00001.
gnomAD v4.1: 1 of 1,588,674 alleles (0.000063%); highest among the groups gnomAD compares: East Asian, 0.0023%; no homozygotes.

Submission:

Labcorp Genetics (formerly Invitae), Labcorp
Classification: Likely pathogenic for Hypertrophic cardiomyopathy. Last evaluated: 2023-09-04. Review status: criteria provided, single submitter. Criteria: Invitae Variant Classification Sherloc (09022015). Collection method: clinical testing. Allele origin: germline.
Comment: This sequence change affects a donor splice site in intron 3 of the TNNI3 gene. It is expected to disrupt RNA splicing. Variants that disrupt the donor or acceptor splice site typically lead to a loss of protein function (PMID: 16199547), and loss-of-function variants in TNNI3 are known to be pathogenic (PMID: 31568572, 34036930, 35838873). This variant is not present in population databases (gnomAD no frequency). This variant has not been reported in the literature in individuals affected with TNNI3-related conditions. Algorithms developed to predict the effect of sequence changes on RNA splicing suggest that this variant may disrupt the consensus splice site. In summary, the currently available evidence indicates that the variant is pathogenic, but additional data are needed to prove that conclusively. Therefore, this variant has been classified as Likely Pathogenic.

Literature cited by the submitters: PubMed 16199547; PubMed 31568572; PubMed 34036930; PubMed 35838873.